The following is an entry in ClinVar:

NM_001170629.2(CHD8):c.5176G>A (p.Asp1726Asn)

Gene: CHD8 (chromodomain helicase DNA binding protein 8; minus strand). Cytogenetic location: 14q11.2.
Variant type: single nucleotide variant.
Coding change: c.5176G>A on transcript NM_001170629.2 (MANE Select); coding-DNA position 5176, G replaced by A.
Protein change: p.Asp1726Asn; replaces aspartic acid 1726 with asparagine.
Molecular consequence: missense variant.
Genome position (GRCh38, 1-based): chr14:21,395,304, C>T on the plus strand (G>A on the coding strand, the complement: CHD8 is on the minus strand). VCF-style: chr14-21395304-C-T. GRCh37 (hg19) VCF-style: chr14-21863463-C-T.
Other names: c.5176G>A (NM_001170629.1); c.4339G>A, p.Asp1447Asn (NM_020920.4); short protein forms D1447N, D1726N.
Identifiers: ClinVar variation 2958230 (VCV002958230.4), dbSNP rs2501864349, ClinGen allele CA388884395.

ClinVar aggregate classification (germline): Uncertain significance. Review status: criteria provided, multiple submitters, no conflicts (2 of 4 stars). 2 submissions from 2 submitters: Uncertain significance (2). Last evaluated 2023-11-06.

Submissions (2):

GeneDx
Classification: Uncertain significance. Last evaluated: 2023-11-06. Review status: criteria provided, single submitter. Criteria: GeneDx Variant Classification Process June 2021. Collection method: clinical testing. Allele origin: germline. Affected: yes.
Comment: Not observed at significant frequency in large population cohorts (gnomAD); In silico analysis supports that this missense variant does not alter protein structure/function; Has not been previously published as pathogenic or benign to our knowledge

Labcorp Genetics (formerly Invitae), Labcorp
Classification: Uncertain significance. Last evaluated: 2023-03-21. Review status: criteria provided, single submitter. Criteria: Invitae Variant Classification Sherloc (09022015). Collection method: clinical testing. Allele origin: germline.
Comment: This variant has not been reported in the literature in individuals affected with CHD8-related conditions. This sequence change replaces aspartic acid, which is acidic and polar, with asparagine, which is neutral and polar, at codon 1726 of the CHD8 protein (p.Asp1726Asn). This variant is not present in population databases (gnomAD no frequency). Advanced modeling of protein sequence and biophysical properties (such as structural, functional, and spatial information, amino acid conservation, physicochemical variation, residue mobility, and thermodynamic stability) performed at Invitae indicates that this missense variant is not expected to disrupt CHD8 protein function. In summary, the available evidence is currently insufficient to determine the role of this variant in disease. Therefore, it has been classified as a Variant of Uncertain Significance.